The following is an entry in ClinVar:

ClinVar aggregate classification (germline): Pathogenic (1 of 4 stars; one submission).

Conditions:
Nemaline myopathy 2 (NEM2). Also called: Nemaline myopathy 2, autosomal recessive. Identifiers: MedGen C1850569, MONDO:0009725, OMIM 256030.

Submission:

Labcorp Genetics (formerly Invitae), Labcorp
Classification: Pathogenic for Nemaline myopathy 2. Last evaluated: 2020-10-01. Review status: criteria provided, single submitter. Criteria: Invitae Variant Classification Sherloc (09022015). Collection method: clinical testing. Allele origin: germline.
Comment: For these reasons, this variant has been classified as Pathogenic. Loss-of-function variants in NEB are known to be pathogenic (PMID: 25205138). This variant has not been reported in the literature in individuals with NEB-related conditions. This variant is not present in population databases (ExAC no frequency). This sequence change creates a premature translational stop signal (p.Ser4025Thrfs*41) in the NEB gene. It is expected to result in an absent or disrupted protein product.

Literature cited by the submitters: PubMed 25205138.

NM_001164508.2(NEB):c.12074del (p.Ser4025fs)

Gene: NEB (nebulin; minus strand). Cytogenetic location: 2q23.3.
Variant type: Deletion.
Coding change: c.12074del on transcript NM_001164508.2 (MANE Select); coding-DNA position 12074, one base deleted (G; older notation c.12074delG).
Protein change: p.Ser4025fs; shifts the reading frame from serine 4025.
Molecular consequence: frameshift variant.
Genome position (GRCh38, 1-based): chr2:151,610,065, C deleted on the plus strand (G on the coding strand, the reverse complement: NEB is on the minus strand). VCF-style (leftmost placement, unchanged base first): chr2-151610064-GC-G. GRCh37 (hg19) VCF-style: chr2-152466578-GC-G.
Other names: c.12074del, p.Ser4025fs (NM_001164507.2, NM_001271208.2); c.11345del, p.Ser3782fs (NM_004543.5); short protein forms S3782fs, S4025fs.
Identifiers: ClinVar variation 1068585 (VCV001068585.7), dbSNP rs2153972237, ClinGen allele CA2499215082.
Genomic context (GRCh38, chr2:151,610,064, plus strand): 5'-CCTTTCACTTTGAATTTTTCCTGCATGTATGGCACACATAATCTTGGGATCATCTTCAAT[GC>G]TCTGGGCTCCAATGTGGTGGCCTTTCTGTTTCTCATAGGCTTCCTTGTATTTGTACTAAA-3'